The following is an entry in ClinVar:

ClinVar aggregate classification (germline): Uncertain significance (1 of 4 stars; one submission).

Conditions:
Glucose-6-phosphate transport defect (GSD1B). Also called: GSD Ib; Glycogen Storage Disease Type Ib. Identifiers: Orphanet 364, Orphanet 79259, MedGen C0268146, MONDO:0009288, OMIM 232220.

Submission:

Labcorp Genetics (formerly Invitae), Labcorp
Classification: Uncertain significance for Glucose-6-phosphate transport defect. Last evaluated: 2024-09-23. Review status: criteria provided, single submitter. Criteria: Invitae Variant Classification Sherloc (09022015). Collection method: clinical testing. Allele origin: germline.
Comment: This sequence change replaces serine, which is neutral and polar, with cysteine, which is neutral and slightly polar, at codon 341 of the SLC37A4 protein (p.Ser341Cys). This variant is present in population databases (no rsID available, gnomAD 0.003%). This variant has not been reported in the literature in individuals affected with SLC37A4-related conditions. Invitae Evidence Modeling of protein sequence and biophysical properties (such as structural, functional, and spatial information, amino acid conservation, physicochemical variation, residue mobility, and thermodynamic stability) indicates that this missense variant is not expected to disrupt SLC37A4 protein function with a negative predictive value of 80%. In summary, the available evidence is currently insufficient to determine the role of this variant in disease. Therefore, it has been classified as a Variant of Uncertain Significance.

NM_001164277.2(SLC37A4):c.1022C>G (p.Ser341Cys)

Gene: SLC37A4 (solute carrier family 37 member 4; minus strand). Cytogenetic location: 11q23.3.
Variant type: single nucleotide variant.
Coding change: c.1022C>G on transcript NM_001164277.2 (MANE Select); coding-DNA position 1022, C replaced by G.
Protein change: p.Ser341Cys; replaces serine 341 with cysteine.
Molecular consequence: missense variant.
Genome position (GRCh38, 1-based): chr11:119,025,292, G>C on the plus strand (C>G on the coding strand, the complement: SLC37A4 is on the minus strand). VCF-style: chr11-119025292-G-C. GRCh37 (hg19) VCF-style: chr11-118896002-G-C.
Other names: c.1088C>G, p.Ser363Cys (NM_001164278.2); c.803C>G, p.Ser268Cys (NM_001164279.2); c.1022C>G, p.Ser341Cys (NM_001164280.2, NM_001467.6); short protein forms S268C, S341C, S363C.
Identifiers: ClinVar variation 3626244 (VCV003626244.2).